The following is an entry in ClinVar:

ClinVar aggregate classification (germline): Pathogenic (1 of 4 stars; one submission).

Conditions:
Duchenne muscular dystrophy (DMD). Also called: MUSCULAR DYSTROPHY, PSEUDOHYPERTROPHIC PROGRESSIVE, DUCHENNE TYPE; Duchenne Muscular Dystrophy (DMD). Identifiers: Orphanet 98896, MedGen C0013264, MONDO:0010679, OMIM 310200.

Submission:

Labcorp Genetics (formerly Invitae), Labcorp
Classification: Pathogenic for Duchenne muscular dystrophy. Last evaluated: 2023-12-10. Review status: criteria provided, single submitter. Criteria: Invitae Variant Classification Sherloc (09022015). Collection method: clinical testing. Allele origin: unknown.
Comment: This variant is a gross deletion of the genomic region encompassing exon(s) 53-55 of the DMD gene. This deletion is out-of-frame, and is expected to create a premature termination codon and result in an absent or disrupted protein product. Loss-of-function variants in DMD are known to be pathogenic (PMID: 16770791, 25007885). A similar copy number variant has been observed in individuals with DMD-related dystrophinopathy (PMID: 15643612, 18663755, 23299919). For these reasons, this variant has been classified as Pathogenic.

Literature cited by the submitters: PubMed 16770791; PubMed 25007885; PubMed 15643612; PubMed 18663755; PubMed 23299919.

NC_000023.11:g.(?_31627653)_(31679606_?)del

Gene: DMD (dystrophin; minus strand). Cytogenetic location: Xp21.1.
Variant type: Deletion.
Identifiers: ClinVar variation 3248395 (VCV003248395.1).